The following is an entry in ClinVar:

ClinVar aggregate classification (germline): Likely benign (1 of 4 stars; one submission).

Allele frequency attached by ClinVar (database versions not stated): TOPMed below 0.00001; ExAC 0.00001; gnomAD exomes 0.00001.
gnomAD v4.1: 8 of 1,614,094 alleles (0.0005%); highest among the groups gnomAD compares: Non-Finnish European, 0.00068%; no homozygotes.

Submission:

Women's Health and Genetics/Laboratory Corporation of America, LabCorp
Classification: Likely benign. Last evaluated: 2024-04-04. Review status: criteria provided, single submitter. Criteria: LabCorp Variant Classification Summary - May 2015. Collection method: clinical testing. Allele origin: germline.
Comment: Variant summary: GARS1 c.1263A>G alters a non-conserved nucleotide resulting in a synonymous change. Consensus agreement among computation tools predict no significant impact on normal splicing. However, these predictions have yet to be confirmed by functional studies. The variant allele was found at a frequency of 1.2e-05 in 249458 control chromosomes (gnomAD). The available data on variant occurrences in the general population are insufficient to allow any conclusion about variant significance. To our knowledge, no occurrence of c.1263A>G in individuals affected with GARS1-Related Disorders and no experimental evidence demonstrating its impact on protein function have been reported. No submitters have cited clinical-significance assessments for this variant to ClinVar. Based on the evidence outlined above, the variant was classified as likely benign.

NM_002047.4(GARS1):c.1263A>G (p.Gly421=)

Gene: GARS1 (glycyl-tRNA synthetase 1; plus strand). Cytogenetic location: 7p14.3.
Variant type: single nucleotide variant.
Coding change: c.1263A>G on transcript NM_002047.4 (MANE Select); coding-DNA position 1263, A replaced by G.
Protein change: p.Gly421=; no amino-acid change (glycine 421 retained).
Molecular consequence: synonymous variant.
Genome position (GRCh38, 1-based): chr7:30,617,182, A>G. VCF-style: chr7-30617182-A-G. GRCh37 (hg19) VCF-style: chr7-30656798-A-G.
Other names: c.1101A>G, p.Gly367= (NM_001316772.1).
Identifiers: ClinVar variation 3251542 (VCV003251542.1), dbSNP rs768523145.
Genomic context (GRCh38, chr7:30,617,182, plus strand): 5'-TAATAACACAGTATTAGGCTATTTCATTGGCCGCATCTACCTCTACCTCACGAAGGTTGG[A>G]ATATCTCCAGATAAACTCCGCTTCCGGCAGCACATGGAGAATGAGATGGCCCATTATGCC-3'
Protein context (NP_002038.2, residues 411-431): GRIYLYLTKV[Gly421=]ISPDKLRFRQ